The following is an entry in ClinVar:

ClinVar aggregate classification (germline): Uncertain significance (1 of 4 stars; one submission).

Allele frequency attached by ClinVar (database versions not stated): gnomAD exomes 0.00001; TOPMed 0.00001; ESP Exome Variant Server 0.00008.
gnomAD v4.1: 15 of 1,613,868 alleles (0.00093%); highest among the groups gnomAD compares: Non-Finnish European, 0.0013%; no homozygotes.

Submission:

Labcorp Genetics (formerly Invitae), Labcorp
Classification: Uncertain significance. Last evaluated: 2022-09-29. Review status: criteria provided, single submitter. Criteria: Invitae Variant Classification Sherloc (09022015). Collection method: clinical testing. Allele origin: germline.
Comment: This variant is present in population databases (rs371236845, gnomAD 0.002%). In summary, the available evidence is currently insufficient to determine the role of this variant in disease. Therefore, it has been classified as a Variant of Uncertain Significance. Advanced modeling of protein sequence and biophysical properties (such as structural, functional, and spatial information, amino acid conservation, physicochemical variation, residue mobility, and thermodynamic stability) performed at Invitae indicates that this missense variant is not expected to disrupt MYH3 protein function. This variant has not been reported in the literature in individuals affected with MYH3-related conditions. This sequence change replaces glutamic acid, which is acidic and polar, with aspartic acid, which is acidic and polar, at codon 1181 of the MYH3 protein (p.Glu1181Asp).

NM_002470.4(MYH3):c.3543G>T (p.Glu1181Asp)

Gene: MYH3 (myosin heavy chain 3; minus strand). Cytogenetic location: 17p13.1.
Variant type: single nucleotide variant.
Coding change: c.3543G>T on transcript NM_002470.4 (MANE Select); coding-DNA position 3543, G replaced by T.
Protein change: p.Glu1181Asp; replaces glutamic acid 1181 with aspartic acid.
Molecular consequence: missense variant.
Genome position (GRCh38, 1-based): chr17:10,638,229, C>A on the plus strand (G>T on the coding strand, the complement: MYH3 is on the minus strand). VCF-style: chr17-10638229-C-A. GRCh37 (hg19) VCF-style: chr17-10541546-C-A.
Other names: short protein forms E1181D.
Identifiers: ClinVar variation 1898868 (VCV001898868.5), dbSNP rs371236845, ClinGen allele CA287783853.